The following is an entry in ClinVar:

ClinVar aggregate classification (germline): Uncertain significance. Review status: criteria provided, multiple submitters, no conflicts (2 of 4 stars). 3 submissions from 3 submitters: Uncertain significance (3). Last evaluated 2022-12-03.

Conditions:
POLD1-related polyposis and colorectal cancer syndrome (CRCS10). Also called: Colorectal cancer 10; COLORECTAL CANCER, SUSCEPTIBILITY TO, ON CHROMOSOME 19q; Colorectal cancer, susceptibility to, 10. Identifiers: Orphanet 220460, MedGen C2675481, MONDO:0012953, OMIM 612591.
Hereditary cancer-predisposing syndrome. Also called: Hereditary neoplastic syndrome; Tumor predisposition; Neoplastic Syndromes, Hereditary; Hereditary Cancer Syndrome. Identifiers: Orphanet 140162, MedGen C0027672, MeSH D009386, MONDO:0015356.

Submissions (3):

Labcorp Genetics (formerly Invitae), Labcorp
Classification: Uncertain significance for POLD1-related polyposis and colorectal cancer syndrome. Last evaluated: 2022-12-03. Review status: criteria provided, single submitter. Criteria: Invitae Variant Classification Sherloc (09022015). Collection method: clinical testing. Allele origin: germline.
Comment: In summary, the available evidence is currently insufficient to determine the role of this variant in disease. Therefore, it has been classified as a Variant of Uncertain Significance. This variant is not present in population databases (gnomAD no frequency). This variant has not been reported in the literature in individuals affected with POLD1-related conditions. ClinVar contains an entry for this variant (Variation ID: 946740). This sequence change replaces serine, which is neutral and polar, with asparagine, which is neutral and polar, at codon 370 of the POLD1 protein (p.Ser370Asn). Advanced modeling of protein sequence and biophysical properties (such as structural, functional, and spatial information, amino acid conservation, physicochemical variation, residue mobility, and thermodynamic stability) performed at Invitae indicates that this missense variant is not expected to disrupt POLD1 protein function.

St. Jude Molecular Pathology, St. Jude Children's Research Hospital
Classification: Uncertain significance for POLD1-related polyposis and colorectal cancer syndrome. Last evaluated: 2022-09-22. Review status: criteria provided, single submitter. Criteria: St. Jude Assertion Criteria 2020. Collection method: clinical testing. Allele origin: germline.
Comment: The POLD1 c.1109G>A (p.Ser370Asn) missense change is absent in gnomAD v2.1.1. The in silico tool REVEL predicts a benign effect on protein function, but to our knowledge this prediction has not been confirmed by functional studies. This variant has been identified in tumors with both high and low mutational burdens (PMID: 29056344). To our knowledge, this variant has not been reported in the literature in individuals with POLD1-related disease. In summary, the evidence currently available is insufficient to determine the clinical significance of this variant. It has therefore been classified as of uncertain significance.

Ambry Genetics
Classification: Uncertain significance for Hereditary cancer-predisposing syndrome. Last evaluated: 2020-06-01. Review status: criteria provided, single submitter. Criteria: Ambry Variant Classification Scheme 2023. Collection method: clinical testing. Allele origin: germline.
Comment: The p.S370N variant (also known as c.1109G>A), located in coding exon 8 of the POLD1 gene, results from a G to A substitution at nucleotide position 1109. The serine at codon 370 is replaced by asparagine, an amino acid with highly similar properties. This amino acid position is not well conserved in available vertebrate species. In addition, this alteration is predicted to be tolerated by in silico analysis. Since supporting evidence is limited at this time, the clinical significance of this alteration remains unclear.

NM_002691.4(POLD1):c.1109G>A (p.Ser370Asn)

Gene: POLD1 (DNA polymerase delta 1, catalytic subunit; plus strand). Cytogenetic location: 19q13.33.
Variant type: single nucleotide variant.
Coding change: c.1109G>A on transcript NM_002691.4 (MANE Select); coding-DNA position 1109, G replaced by A.
Protein change: p.Ser370Asn; replaces serine 370 with asparagine.
Molecular consequence: missense variant. On other transcripts: non-coding transcript variant (1).
Genome position (GRCh38, 1-based): chr19:50,403,191, G>A. VCF-style: chr19-50403191-G-A. GRCh37 (hg19) VCF-style: chr19-50906448-G-A.
Other names: c.1109G>A, p.Ser370Asn (NM_001256849.1, NM_001308632.1); short protein forms S370N.
Identifiers: ClinVar variation 946740 (VCV000946740.13), dbSNP rs868850526, ClinGen allele CA406978343.